The following is an entry in ClinVar:

ClinVar aggregate classification (germline): Uncertain significance. Review status: criteria provided, multiple submitters, no conflicts (2 of 4 stars). 2 submissions from 2 submitters: Uncertain significance (2). Last evaluated 2025-08-24.

Conditions:
Inborn genetic diseases. Identifiers: MedGen C0950123, MeSH D030342.
DOCK2 deficiency. Also called: Immunodeficiency 40. Identifiers: Orphanet 447737, MedGen C4225328, MONDO:0014637, OMIM 616433.

Allele frequency attached by ClinVar (database versions not stated): ExAC 0.00002; gnomAD 0.00002; gnomAD exomes 0.00002; TOPMed 0.00003.
gnomAD v4.1: 83 of 1,613,744 alleles (0.0051%); highest among the groups gnomAD compares: Non-Finnish European, 0.0062%; no homozygotes.

Submissions (2):

Ambry Genetics
Classification: Uncertain significance for Inborn genetic diseases. Last evaluated: 2025-08-24. Review status: criteria provided, single submitter. Criteria: Ambry Variant Classification Scheme 2023. Collection method: clinical testing. Allele origin: germline.

Labcorp Genetics (formerly Invitae), Labcorp
Classification: Uncertain significance for DOCK2 deficiency. Last evaluated: 2025-01-02. Review status: criteria provided, single submitter. Criteria: Invitae Variant Classification Sherloc (09022015). Collection method: clinical testing. Allele origin: germline.
Comment: This sequence change replaces alanine, which is neutral and non-polar, with valine, which is neutral and non-polar, at codon 812 of the DOCK2 protein (p.Ala812Val). This variant is present in population databases (rs775851597, gnomAD 0.004%). This variant has not been reported in the literature in individuals affected with DOCK2-related conditions. ClinVar contains an entry for this variant (Variation ID: 844793). An algorithm developed to predict the effect of missense changes on protein structure and function (PolyPhen-2) suggests that this variant¬†is likely to be tolerated. In summary, the available evidence is currently insufficient to determine the role of this variant in disease. Therefore, it has been classified as a Variant of Uncertain Significance.

NM_004946.3(DOCK2):c.2435C>T (p.Ala812Val)

Gene: DOCK2 (dedicator of cytokinesis 2; plus strand). Cytogenetic location: 5q35.1.
Variant type: single nucleotide variant.
Coding change: c.2435C>T on transcript NM_004946.3 (MANE Select); coding-DNA position 2435, C replaced by T.
Protein change: p.Ala812Val; replaces alanine 812 with valine.
Molecular consequence: missense variant. On other transcripts: non-coding transcript variant (1).
Genome position (GRCh38, 1-based): chr5:169,759,763, C>T. VCF-style: chr5-169759763-C-T. GRCh37 (hg19) VCF-style: chr5-169186767-C-T.
Other names: short protein forms A812V.
Identifiers: ClinVar variation 844793 (VCV000844793.6), dbSNP rs775851597, ClinGen allele CA3553750.